The following is an entry in ClinVar:

NM_014363.6(SACS):c.10692del (p.Lys3565fs)

Gene: SACS (sacsin molecular chaperone; minus strand). Cytogenetic location: 13q12.12.
Variant type: Deletion.
Coding change: c.10692del on transcript NM_014363.6 (MANE Select); coding-DNA position 10692, one base deleted (G; older notation c.10692delG).
Protein change: p.Lys3565fs; shifts the reading frame from lysine 3565.
Molecular consequence: frameshift variant.
Genome position (GRCh38, 1-based): chr13:23,333,184, C deleted on the plus strand (G on the coding strand, the reverse complement: SACS is on the minus strand). VCF-style (leftmost placement, unchanged base first): chr13-23333183-TC-T. GRCh37 (hg19) VCF-style: chr13-23907322-TC-T.
Other names: c.10251del, p.Lys3418fs (NM_001278055.2); short protein forms K3418fs, K3565fs.
Identifiers: ClinVar variation 1390908 (VCV001390908.6), dbSNP rs2137572889, ClinGen allele CA2573149131.
Genomic context (GRCh38, chr13:23,333,183, plus strand): 5'-ATTCCACCCAGGATGTCATAAATGTAACATGATTTTTGGGTTTTATAAGTTGTTCCAATT[TC>T]TTAAAGAAATCATTAGGAATAAACAATTTTTCAGGAAGCATAACTTCAAAAACTCTCACA-3'

ClinVar aggregate classification (germline): Pathogenic (1 of 4 stars; one submission).

Conditions:
Spastic paraplegia. Identifiers: MedGen C0037772, HP:0001258.

Submission:

Labcorp Genetics (formerly Invitae), Labcorp
Classification: Pathogenic for Spastic paraplegia. Last evaluated: 2021-09-16. Review status: criteria provided, single submitter. Criteria: Invitae Variant Classification Sherloc (09022015). Collection method: clinical testing. Allele origin: germline.
Comment: This variant is not present in population databases (ExAC no frequency). For these reasons, this variant has been classified as Pathogenic. This variant disrupts a region of the SACS protein in which other variant(s) (p.Tyr4538*) have been determined to be pathogenic (Invitae). This suggests that this is a clinically significant region of the protein, and that variants that disrupt it are likely to be disease-causing. This variant has not been reported in the literature in individuals affected with SACS-related conditions. This sequence change creates a premature translational stop signal (p.Lys3565Asnfs*6) in the SACS gene. While this is not anticipated to result in nonsense mediated decay, it is expected to disrupt the last 1015 amino acid(s) of the SACS protein.